The following is an entry in ClinVar:

NM_000439.5(PCSK1):c.1188G>A (p.Leu396=)

Genes: CAST (calpastatin; plus strand), PCSK1 (proprotein convertase subtilisin/kexin type 1; minus strand), LOC101929710 (uncharacterized LOC101929710; plus strand). Cytogenetic location: 5q15.
Variant type: single nucleotide variant.
Coding change: c.1188G>A on transcript NM_000439.5 (MANE Select); coding-DNA position 1188, G replaced by A.
Protein change: p.Leu396=; no amino-acid change (leucine 396 retained).
Molecular consequence: synonymous variant. On other transcripts: intron variant (11).
Genome position (GRCh38, 1-based): chr5:96,408,231, C>T on the plus strand (G>A on the coding strand, the complement: PCSK1 is on the minus strand). VCF-style: chr5-96408231-C-T. GRCh37 (hg19) VCF-style: chr5-95743935-C-T.
Other names: c.-175+28579C>T (NM_001423260.1, NM_001423254.1, NM_001423259.1 and 6 more transcripts); c.1047G>A, p.Leu349= (NM_001177875.2); c.-103+28579C>T (NM_001423253.1); c.-40+28579C>T (NM_001423258.1).
Identifiers: ClinVar variation 3351947 (VCV003351947.2).

ClinVar aggregate classification (germline): Likely benign. Review status: criteria provided, single submitter (1 of 4 stars). 2 submissions from 2 submitters: Likely benign (1). 1 of the submissions does not count toward it. Last evaluated 2025-12-02.

Conditions:
PCSK1-related disorder. Also called: PCSK1-related condition.

gnomAD v4.1: 1 of 1,612,888 alleles (0.000062%); highest among the groups gnomAD compares: Admixed American, 0.0017%; no homozygotes.

Submissions (2):

Labcorp Genetics (formerly Invitae), Labcorp
Classification: Likely benign. Last evaluated: 2025-12-02. Review status: criteria provided, single submitter. Criteria: Invitae Variant Classification Sherloc (09022015). Collection method: clinical testing. Allele origin: germline.

PreventionGenetics, part of Exact Sciences
Classification: Likely benign for PCSK1-related condition. Last evaluated: 2024-03-11. Review status: no assertion criteria provided. Collection method: clinical testing. Allele origin: germline. Not counted in ClinVar's aggregate classification.
Comment: This variant is classified as likely benign based on ACMG/AMP sequence variant interpretation guidelines (Richards et al. 2015 PMID: 25741868, with internal and published modifications).